The following is an entry in ClinVar:

ClinVar aggregate classification (germline): Likely benign (1 of 4 stars; one submission).

Allele frequency attached by ClinVar (database versions not stated): gnomAD exomes below 0.00001; TOPMed below 0.00001.
gnomAD v4.1: 1 of 1,614,212 alleles (0.000062%); highest among the groups gnomAD compares: South Asian, 0.0011%; no homozygotes.

Submission:

GeneDx
Classification: Likely benign. Last evaluated: 2016-03-21. Review status: criteria provided, single submitter. Criteria: GeneDx Variant Classification (06012015). Collection method: clinical testing. Allele origin: germline. Affected: yes.
Comment: This variant is considered likely benign or benign based on one or more of the following criteria: it is a conservative change, it occurs at a poorly conserved position in the protein, it is predicted to be benign by multiple in silico algorithms, and/or has population frequency not consistent with disease.

NM_005006.7(NDUFS1):c.1668A>G (p.Thr556=)

Gene: NDUFS1 (NADH:ubiquinone oxidoreductase core subunit S1; minus strand). Cytogenetic location: 2q33.3.
Variant type: single nucleotide variant.
Coding change: c.1668A>G on transcript NM_005006.7 (MANE Select); coding-DNA position 1668, A replaced by G.
Protein change: p.Thr556=; no amino-acid change (threonine 556 retained).
Molecular consequence: synonymous variant.
Genome position (GRCh38, 1-based): chr2:206,130,128, T>C on the plus strand (A>G on the coding strand, the complement: NDUFS1 is on the minus strand). VCF-style: chr2-206130128-T-C. GRCh37 (hg19) VCF-style: chr2-206994852-T-C.
Other names: c.1560A>G, p.Thr520= (NM_001199981.2); c.1335A>G, p.Thr445= (NM_001199982.2); c.1497A>G, p.Thr499= (NM_001199983.2); c.1710A>G, p.Thr570= (NM_001199984.2).
Identifiers: ClinVar variation 384208 (VCV000384208.1), dbSNP rs1057521895, ClinGen allele CA16604352.
Genomic context (GRCh38, chr2:206,130,128, plus strand): 5'-GTGTCACAGGTGATACTTACCTTGATAAATAATGAAACAATCCTTTGGCAAATCCTGTCG[T>C]GTGATACAACCTCCATCTGCTCCCAGGAGAAACAGCACCTTGGGAGGGTTCTTCCGAATT-3'
Protein context (NP_004997.4, residues 546-566): FLLGADGGCI[Thr556=]RQDLPKDCFI